The following is an entry in ClinVar:

ClinVar aggregate classification (germline): Uncertain significance. Review status: criteria provided, multiple submitters, no conflicts (2 of 4 stars). 2 submissions from 2 submitters: Uncertain significance (2). Last evaluated 2024-03-02.

Conditions:
Hereditary cancer-predisposing syndrome. Also called: Neoplastic Syndromes, Hereditary; Tumor predisposition; Hereditary Cancer Syndrome; Hereditary neoplastic syndrome. Identifiers: Orphanet 140162, MedGen C0027672, MeSH D009386, MONDO:0015356.

Allele frequency attached by ClinVar (database versions not stated): gnomAD exomes 0.00001; ExAC 0.00002.
gnomAD v4.1: 4 of 1,612,330 alleles (0.00025%); highest among the groups gnomAD compares: Admixed American, 0.005%; no homozygotes.

Submissions (2):

Ambry Genetics
Classification: Uncertain significance for Hereditary cancer-predisposing syndrome. Last evaluated: 2024-03-02. Review status: criteria provided, single submitter. Criteria: Ambry Variant Classification Scheme 2023. Collection method: clinical testing. Allele origin: germline.
Comment: The p.W2185R variant (also known as c.6553T>C), located in coding exon 47 of the POLE gene, results from a T to C substitution at nucleotide position 6553. The tryptophan at codon 2185 is replaced by arginine, an amino acid with dissimilar properties. This amino acid position is conserved. In addition, this alteration is predicted to be deleterious by in silico analysis. Based on the available evidence, the clinical significance of this alteration remains unclear.

Labcorp Genetics (formerly Invitae), Labcorp
Classification: Uncertain significance. Last evaluated: 2024-02-20. Review status: criteria provided, single submitter. Criteria: Invitae Variant Classification Sherloc (09022015). Collection method: clinical testing. Allele origin: germline.
Comment: This sequence change replaces tryptophan, which is neutral and slightly polar, with arginine, which is basic and polar, at codon 2185 of the POLE protein (p.Trp2185Arg). This variant is present in population databases (rs752443512, gnomAD 0.006%). This variant has not been reported in the literature in individuals affected with POLE-related conditions. ClinVar contains an entry for this variant (Variation ID: 649431). Advanced modeling of protein sequence and biophysical properties (such as structural, functional, and spatial information, amino acid conservation, physicochemical variation, residue mobility, and thermodynamic stability) performed at Invitae indicates that this missense variant is expected to disrupt POLE protein function with a positive predictive value of 80%. In summary, the available evidence is currently insufficient to determine the role of this variant in disease. Therefore, it has been classified as a Variant of Uncertain Significance.

NM_006231.4(POLE):c.6553T>C (p.Trp2185Arg)

Gene: POLE (DNA polymerase epsilon, catalytic subunit; minus strand). Cytogenetic location: 12q24.33.
Variant type: single nucleotide variant.
Coding change: c.6553T>C on transcript NM_006231.4 (MANE Select); coding-DNA position 6553, T replaced by C.
Protein change: p.Trp2185Arg; replaces tryptophan 2185 with arginine.
Molecular consequence: missense variant.
Genome position (GRCh38, 1-based): chr12:132,625,749, A>G on the plus strand (T>C on the coding strand, the complement: POLE is on the minus strand). VCF-style: chr12-132625749-A-G. GRCh37 (hg19) VCF-style: chr12-133202335-A-G.
Other names: c.6553T>C (NM_006231.2); short protein forms W2185R.
Identifiers: ClinVar variation 649431 (VCV000649431.7), dbSNP rs752443512, ClinGen allele CA6892127.